The following is an entry in ClinVar:

ClinVar aggregate classification (germline): Conflicting classifications of pathogenicity. Review status: criteria provided, conflicting classifications (1 of 4 stars). 6 submissions from 6 submitters: Uncertain significance (4); Likely benign (1). 1 of the submissions does not count toward it. Last evaluated 2025-12-10.

Conditions:
Hereditary cancer-predisposing syndrome. Also called: Tumor predisposition; Neoplastic Syndromes, Hereditary; Hereditary Cancer Syndrome; Hereditary neoplastic syndrome. Identifiers: Orphanet 140162, MedGen C0027672, MeSH D009386, MONDO:0015356.
Hereditary breast ovarian cancer syndrome. Also called: Hereditary breast and ovarian cancer syndrome (HBOC); Hereditary breast and ovarian cancer syndrome; Hereditary breast and ovarian cancer; Hereditary breast and/or ovarian cancer syndrome; Breast and ovarian cancer; BRCA1- and BRCA2-Associated Hereditary Breast and Ovarian Cancer. Identifiers: Orphanet 145, MedGen C0677776, MeSH D061325, MONDO:0003582. Disease mechanism: loss of function.
Breast-ovarian cancer, familial, susceptibility to, 1 (BROVCA1). Also called: OVARIAN CANCER, SUSCEPTIBILITY TO; BRCA1 Hereditary Breast and Ovarian Cancer. Identifiers: Orphanet 145, MedGen C2676676, MONDO:0011450, OMIM 604370. Disease mechanism: loss of function.

Allele frequency attached by ClinVar (database versions not stated): gnomAD exomes below 0.00001.
gnomAD v4.1: 4 of 1,614,100 alleles (0.00025%); highest among the groups gnomAD compares: African/African-American, 0.0013%; no homozygotes.

Submissions (6):

Ambry Genetics
Classification: Uncertain significance for Hereditary cancer-predisposing syndrome. Last evaluated: 2025-12-10. Review status: criteria provided, single submitter. Criteria: Ambry Variant Classification Scheme 2023. Collection method: clinical testing. Allele origin: germline.
Comment: The p.P930L variant (also known as c.2789C>T), located in coding exon 9 of the BRCA1 gene, results from a C to T substitution at nucleotide position 2789. The proline at codon 930 is replaced by leucine, an amino acid with similar properties. In one study, this variant was found to be deleterious by SIFT and not deleterious by Ancestral Sequence method using 57 species (Pavlicek et al. Hum Mol Genet. 2004; 13:2737&ndash;2751). These findings were duplicated in a second study that predicted p.P930L was not deleterious using an expanded set of alignments from 132 species (Burk-Herrick et al. Mamm. Genome 2006 Mar;17(3):257-70). This amino acid position is poorly conserved in available vertebrate species. In addition, the in silico prediction for this alteration is inconclusive. Since supporting evidence is limited at this time, the clinical significance of this alteration remains unclear.

Labcorp Genetics (formerly Invitae), Labcorp
Classification: Uncertain significance for Hereditary breast ovarian cancer syndrome. Last evaluated: 2024-03-25. Review status: criteria provided, single submitter. Criteria: Invitae Variant Classification Sherloc (09022015). Collection method: clinical testing. Allele origin: germline.
Comment: This sequence change replaces proline, which is neutral and non-polar, with leucine, which is neutral and non-polar, at codon 930 of the BRCA1 protein (p.Pro930Leu). This variant is not present in population databases (gnomAD no frequency). This variant has not been reported in the literature in individuals affected with BRCA1-related conditions. ClinVar contains an entry for this variant (Variation ID: 54680). Advanced modeling of protein sequence and biophysical properties (such as structural, functional, and spatial information, amino acid conservation, physicochemical variation, residue mobility, and thermodynamic stability) performed at Invitae indicates that this missense variant is not expected to disrupt BRCA1 protein function with a negative predictive value of 95%. In summary, the available evidence is currently insufficient to determine the role of this variant in disease. Therefore, it has been classified as a Variant of Uncertain Significance.

University of Washington Department of Laboratory Medicine, University of Washington
Classification: Likely benign for Hereditary cancer-predisposing syndrome. Last evaluated: 2023-03-23. Review status: criteria provided, single submitter. Criteria: Dines et al. (Genet Med. 2020). Collection method: curation. Allele origin: germline.
Comment: Missense variant in a coldspot region where missense variants are very unlikely to be pathogenic (PMID:31911673).

BRCA1 coldspot (exon 11 using historical exon numbering). Reclassification based on statistical prior probability

Quest Diagnostics Nichols Institute San Juan Capistrano
Classification: Uncertain significance for Breast-ovarian cancer, familial, susceptibility to, 1. Last evaluated: 2016-06-07. Review status: criteria provided, single submitter. Criteria: Quest Diagnostics criteria. Collection method: clinical testing. Allele origin: germline. Inheritance: Autosomal dominant inheritance.

GeneDx
Classification: Uncertain significance. Last evaluated: 2015-02-24. Review status: criteria provided, single submitter. Criteria: GeneDx Variant Classification (06012015). Collection method: clinical testing. Allele origin: germline. Affected: yes.
Comment: This variant is denoted BRCA1 c.2789C>T at the cDNA level, p.Pro930Leu (P930L) at the protein level, and results in the change of a Proline to a Leucine (CCT>CTT). Using alternate nomenclature, this variant would be defined as BRCA1 2908C>T. BRCA1 Pro930Leu was not observed in approximately 6,500 individuals of European and African American ancestry in the NHLBI Exome Sequencing Project, indicating it is not a common benign variant in these populations. Since Proline and Leucine differ in some properties, this is considered a semi-conservative amino acid substitution. BRCA1 Pro930Leu occurs at a position that is moderately conserved across mammals and is located in the DNA binding domain (Narod 2004). Although historical in silico model calculations have suggested pathogenicity (Burk-Herrick 2006, Pavlicek 2004), present-day in-house in silico analyses predict that this variant is unlikely to alter protein structure or function. Based on currently available information, it is unclear whether BRCA1 Pro930Leu is pathogenic or benign. We consider it to be a variant of uncertain significance.

Breast Cancer Information Core (BIC) (BRCA1)
Classification: Uncertain significance for Breast-ovarian cancer, familial 1. Last evaluated: 2002-05-29. Review status: no assertion criteria provided. Collection method: clinical testing. Allele origin: germline. Affected: yes. Observed: 1 variant allele. Not counted in ClinVar's aggregate classification.

Literature cited by the submitters: PubMed 16518693 (cited by Ambry Genetics and Quest Diagnostics Nichols Institute San Juan Capistrano); PubMed 26295337 (cited by Quest Diagnostics Nichols Institute San Juan Capistrano).

NM_007294.4(BRCA1):c.2789C>T (p.Pro930Leu)

Gene: BRCA1 (BRCA1 DNA repair associated; minus strand). Cytogenetic location: 17q21.31.
Variant type: single nucleotide variant.
Coding change: c.2789C>T on transcript NM_007294.4 (MANE Select); coding-DNA position 2789, C replaced by T.
Protein change: p.Pro930Leu; replaces proline 930 with leucine.
Molecular consequence: missense variant. On other transcripts: intron variant (137).
Genome position (GRCh38, 1-based): chr17:43,092,742, G>A on the plus strand (C>T on the coding strand, the complement: BRCA1 is on the minus strand). VCF-style: chr17-43092742-G-A. GRCh37 (hg19) VCF-style: chr17-41244759-G-A.
Other names: c.2576C>T, p.Pro859Leu (NM_001407571.1, NM_001407853.1, NM_001407894.1 and 9 more transcripts); c.2789C>T, p.Pro930Leu (NM_001407581.1, NM_001407582.1, NM_001407583.1 and 30 more transcripts); c.2786C>T, p.Pro929Leu (NM_001407587.1, NM_001407590.1, NM_001407591.1 and 22 more transcripts); c.2780C>T, p.Pro927Leu (NM_001407646.1, NM_001407647.1); c.2666C>T, p.Pro889Leu (NM_001407648.1, NM_001407664.1, NM_001407665.1 and 19 more transcripts); c.2663C>T, p.Pro888Leu (NM_001407649.1, NM_001407670.1, NM_001407671.1 and 11 more transcripts); c.2711C>T, p.Pro904Leu (NM_001407653.1, NM_001407654.1, NM_001407655.1 and 4 more transcripts); c.2708C>T, p.Pro903Leu (NM_001407659.1, NM_001407660.1, NM_001407661.1 and 1 more transcripts); and 41 more; short protein forms P930L, P883L, P802L, P859L, P882L, P762L, P818L, P860L.
Identifiers: ClinVar variation 54680 (VCV000054680.19), dbSNP rs80357256, ClinGen allele CA001831.